The following is an entry in ClinVar:

NM_001291303.3(FAT4):c.5573C>G (p.Ser1858Cys)

Gene: FAT4 (FAT atypical cadherin 4; plus strand). Cytogenetic location: 4q28.1.
Variant type: single nucleotide variant.
Coding change: c.5573C>G on transcript NM_001291303.3 (MANE Select); coding-DNA position 5573, C replaced by G.
Protein change: p.Ser1858Cys; replaces serine 1858 with cysteine.
Molecular consequence: missense variant.
Genome position (GRCh38, 1-based): chr4:125,408,447, C>G. VCF-style: chr4-125408447-C-G. GRCh37 (hg19) VCF-style: chr4-126329602-C-G.
Other names: c.5573C>G, p.Ser1858Cys (NM_001291285.3, NM_024582.6); short protein forms S1858C.
Identifiers: ClinVar variation 1467941 (VCV001467941.6), dbSNP rs749313432, ClinGen allele CA358122970.
Genomic context (GRCh38, chr4:125,408,447, plus strand): 5'-TCTTAGTAATACTTCTTACTTCCTTGATTTTATACTATTAATTTATTCTTTTGATAGGTT[C>G]TTTGGTAGCAGCCATTTTAGCCACGGATGATGACTCTGGTGTGAATGGAGAAATTACATA-3'
Protein context (NP_001278232.1, residues 1848-1868): FDIPEDTIPG[Ser1858Cys]LVAAILATDD

ClinVar aggregate classification (germline): Uncertain significance (1 of 4 stars; one submission).

gnomAD v4.1: 2 of 1,584,542 alleles (0.00013%); highest among the groups gnomAD compares: Admixed American, 0.0018%; no homozygotes.

Submission:

Labcorp Genetics (formerly Invitae), Labcorp
Classification: Uncertain significance. Last evaluated: 2023-04-05. Review status: criteria provided, single submitter. Criteria: Invitae Variant Classification Sherloc (09022015). Collection method: clinical testing. Allele origin: germline.
Comment: This variant is not present in population databases (gnomAD no frequency). This sequence change replaces serine, which is neutral and polar, with cysteine, which is neutral and slightly polar, at codon 1858 of the FAT4 protein (p.Ser1858Cys). This variant has not been reported in the literature in individuals affected with FAT4-related conditions. In summary, the available evidence is currently insufficient to determine the role of this variant in disease. Therefore, it has been classified as a Variant of Uncertain Significance. Advanced modeling of protein sequence and biophysical properties (such as structural, functional, and spatial information, amino acid conservation, physicochemical variation, residue mobility, and thermodynamic stability) performed at Invitae indicates that this missense variant is not expected to disrupt FAT4 protein function. ClinVar contains an entry for this variant (Variation ID: 1467941).